The following is an entry in ClinVar:

ClinVar aggregate classification (germline): Uncertain significance (1 of 4 stars; one submission).

Submission:

GeneDx
Classification: Uncertain significance. Last evaluated: 2024-12-14. Review status: criteria provided, single submitter. Criteria: GeneDx Variant Classification Process June 2021. Collection method: clinical testing. Allele origin: germline. Affected: yes.
Comment: Not observed at significant frequency in large population cohorts (gnomAD); In silico analysis supports that this missense variant has a deleterious effect on protein structure/function; Has not been previously published as pathogenic or benign to our knowledge

NM_001369268.1(ACAN):c.7534T>C (p.Tyr2512His)

Gene: ACAN (aggrecan; plus strand). Cytogenetic location: 15q26.1.
Variant type: single nucleotide variant.
Coding change: c.7534T>C on transcript NM_001369268.1 (MANE Select); coding-DNA position 7534, T replaced by C.
Protein change: p.Tyr2512His; replaces tyrosine 2512 with histidine.
Molecular consequence: missense variant. On other transcripts: intron variant (1).
Genome position (GRCh38, 1-based): chr15:88,873,928, T>C. VCF-style: chr15-88873928-T-C. GRCh37 (hg19) VCF-style: chr15-89417159-T-C.
Other names: c.7306T>C, p.Tyr2436His (NM_001411096.1); c.7420T>C, p.Tyr2474His (NM_001411097.1, NM_013227.4); c.7220-477T>C (NM_001135.4); short protein forms Y2436H, Y2474H, Y2512H.
Identifiers: ClinVar variation 3906636 (VCV003906636.1).